The following is an entry in ClinVar:

NM_024675.4(PALB2):c.*7G>A

Gene: PALB2 (partner and localizer of BRCA2; minus strand). Cytogenetic location: 16p12.2.
Variant type: single nucleotide variant.
Coding change: c.*7G>A on transcript NM_024675.4 (MANE Select); 7 bases downstream of the stop codon, G replaced by A.
Molecular consequence: 3 prime UTR variant.
Genome position (GRCh38, 1-based): chr16:23,603,452, C>T on the plus strand (G>A on the coding strand, the complement: PALB2 is on the minus strand). VCF-style: chr16-23603452-C-T. GRCh37 (hg19) VCF-style: chr16-23614773-C-T.
Other names: c.*7G>A (NM_001407296.1, NM_001407297.1, NM_001407298.1 and 10 more transcripts); c.*203G>A (NM_001407301.1, NM_001407302.1, NM_001407310.1 and 2 more transcripts).
Identifiers: ClinVar variation 3903548 (VCV003903548.2).
Genomic context (GRCh38, chr16:23,603,452, plus strand): 5'-TTAAAACTCCAAAAAATACTAAGAGGCCCAATATATCCAGAAAATTGTGTTTTCACTTTA[C>T]CCTAACTTATGAATAGTGGTATACAAATATATTTCCATCTTTTTGTCCAGCCAGCAAATG-3'

ClinVar aggregate classification (germline): Conflicting classifications of pathogenicity. Review status: criteria provided, conflicting classifications (1 of 4 stars). 2 submissions from 2 submitters: Uncertain significance (1); Benign (1). Last evaluated 2025-03-04.

Conditions:
Familial cancer of breast. Also called: Hereditary breast cancer; hereditary breast carcinoma; BREAST CANCER, FAMILIAL. Identifiers: Orphanet 227535, MedGen C0346153, MONDO:0016419, OMIM 114480. Disease mechanism: loss of function.

gnomAD v4.1: 1 of 1,607,994 alleles (0.000062%); highest among the groups gnomAD compares: Admixed American, 0.0017%; no homozygotes.

Submissions (2):

Quest Diagnostics Nichols Institute San Juan Capistrano
Classification: Uncertain significance. Last evaluated: 2025-03-04. Review status: criteria provided, single submitter. Criteria: Quest Diagnostics criteria. Collection method: clinical testing. Allele origin: unknown.
Comment: The PALB2 c.*7G>A variant has not been reported in individuals with PALB2-related conditions in the published literature. The frequency of this variant in the general population (Genome Aggregation Database) is uninformative in the assessment of its pathogenicity. Based on the available information, we are unable to determine the clinical significance of this variant.

Myriad Genetics, Inc.
Classification: Benign for Familial cancer of breast. Last evaluated: 2025-01-22. Review status: criteria provided, single submitter. Criteria: Myriad Autosomal Dominant, Autosomal Recessive and X-Linked Classification Criteria (2023). Collection method: clinical testing. Allele origin: unknown.
Comment: This variant is considered benign. This variant occurs in the non-coding 3' untranslated region of the gene, and is not expected to impact protein function.